The following is an entry in ClinVar:

NM_003242.6(TGFBR2):c.374A>C (p.Glu125Ala)

Gene: TGFBR2 (transforming growth factor beta receptor 2; plus strand). Cytogenetic location: 3p24.1.
Variant type: single nucleotide variant.
Coding change: c.374A>C on transcript NM_003242.6 (MANE Select); coding-DNA position 374, A replaced by C.
Protein change: p.Glu125Ala; replaces glutamic acid 125 with alanine.
Molecular consequence: missense variant. On other transcripts: intron variant (2).
Genome position (GRCh38, 1-based): chr3:30,650,380, A>C. VCF-style: chr3-30650380-A-C. GRCh37 (hg19) VCF-style: chr3-30691872-A-C.
Other names: c.449A>C, p.Glu150Ala (NM_001024847.3, NM_001407126.1, NM_001407139.1); c.374A>C, p.Glu125Ala (NM_001407127.1, NM_001407130.1); c.401A>C, p.Glu134Ala (NM_001407128.1); c.269A>C, p.Glu90Ala (NM_001407129.1, NM_001407132.1, NM_001407133.1 and 3 more transcripts); c.170-21258A>C (NM_001407137.1); c.95-21258A>C (NM_001407138.1); short protein forms E134A, E125A, E150A, E90A.
Identifiers: ClinVar variation 2961069 (VCV002961069.3), dbSNP rs762282124, ClinGen allele CA351806945.
Genomic context (GRCh38, chr3:30,650,380, plus strand): 5'-AGCTCCCCTACCATGACTTTATTCTGGAAGATGCTGCTTCTCCAAAGTGCATTATGAAGG[A>C]AAAAAAAAAGCCTGGTGAGACTTTCTTCATGTGTTCCTGTAGCTCTGATGAGTGCAATGA-3'
Protein context (NP_003233.4, residues 115-135): DAASPKCIMK[Glu125Ala]KKKPGETFFM

ClinVar aggregate classification (germline): Uncertain significance (1 of 4 stars; one submission).

Conditions:
Familial thoracic aortic aneurysm and aortic dissection (TAAD). Also called: Thoracic aortic aneurysms and dissections. Identifiers: Orphanet 91387, MedGen C4707243, MONDO:0019625.

gnomAD v4.1: 1 of 1,524,304 alleles (0.000066%); highest among the groups gnomAD compares: Non-Finnish European, 0.00009%; no homozygotes.

Submission:

Labcorp Genetics (formerly Invitae), Labcorp
Classification: Uncertain significance for Familial thoracic aortic aneurysm and aortic dissection. Last evaluated: 2024-12-23. Review status: criteria provided, single submitter. Criteria: Invitae Variant Classification Sherloc (09022015). Collection method: clinical testing. Allele origin: germline.
Comment: This sequence change replaces glutamic acid, which is acidic and polar, with alanine, which is neutral and non-polar, at codon 125 of the TGFBR2 protein (p.Glu125Ala). This variant is not present in population databases (gnomAD no frequency). This variant has not been reported in the literature in individuals affected with TGFBR2-related conditions. ClinVar contains an entry for this variant (Variation ID: 2961069). Invitae Evidence Modeling of protein sequence and biophysical properties (such as structural, functional, and spatial information, amino acid conservation, physicochemical variation, residue mobility, and thermodynamic stability) indicates that this missense variant is not expected to disrupt TGFBR2 protein function with a negative predictive value of 95%. In summary, the available evidence is currently insufficient to determine the role of this variant in disease. Therefore, it has been classified as a Variant of Uncertain Significance.